The following is an entry in ClinVar:

ClinVar aggregate classification (germline): Pathogenic. Review status: criteria provided, multiple submitters, no conflicts (2 of 4 stars). 5 submissions from 5 submitters: Pathogenic (2). 3 of the submissions do not count toward it. Last evaluated 2023-11-14.

Conditions:
Isolated cryptophthalmia. Also called: ANKYLOBLEPHARON, SIMPLE; Cryptophthalmos, unilateral or bilateral, isolated. Identifiers: Orphanet 91396, MedGen C1852453, MONDO:0007410, OMIM 123570.
Fraser syndrome 2 (FRASRS2). Identifiers: MedGen C4540036, MONDO:0054738, OMIM 617666.

Allele frequency attached by ClinVar (database versions not stated): gnomAD exomes below 0.00001; TOPMed 0.00001; gnomAD 0.00002.
gnomAD v4.1: 13 of 1,613,418 alleles (0.00081%); highest among the groups gnomAD compares: East Asian, 0.0022%; no homozygotes.

Submissions (5):

Labcorp Genetics (formerly Invitae), Labcorp
Classification: Pathogenic. Last evaluated: 2023-11-14. Review status: criteria provided, single submitter. Criteria: Invitae Variant Classification Sherloc (09022015). Collection method: clinical testing. Allele origin: germline.
Comment: This sequence change creates a premature translational stop signal (p.Arg736*) in the FREM2 gene. It is expected to result in an absent or disrupted protein product. Loss-of-function variants in FREM2 are known to be pathogenic (PMID: 18203166, 26552811). This variant is present in population databases (no rsID available, gnomAD 0.0009%). This premature translational stop signal has been observed in individual(s) with clinical features of Fraser syndrome (PMID: 30802441). ClinVar contains an entry for this variant (Variation ID: 625182). For these reasons, this variant has been classified as Pathogenic.

Fulgent Genetics
Classification: Pathogenic for Isolated cryptophthalmia; Fraser syndrome 2. Last evaluated: 2022-03-18. Review status: criteria provided, single submitter. Criteria: ACMG Guidelines, 2015. Collection method: clinical testing. Allele origin: unknown.

OMIM
Classification: Pathogenic for CRYPTOPHTHALMOS, UNILATERAL OR BILATERAL, ISOLATED. Last evaluated: 2019-04-10. Review status: no assertion criteria provided. Collection method: literature only. Allele origin: germline. Not counted in ClinVar's aggregate classification.

Clinical Genetics DNA and cytogenetics Diagnostics Lab, Erasmus MC, Erasmus Medical Center
Classification: Pathogenic. Review status: no assertion criteria provided. Collection method: clinical testing. Allele origin: germline. Affected: yes. Study: VKGL Data-share Consensus. Not counted in ClinVar's aggregate classification.

Genome Diagnostics Laboratory, University Medical Center Utrecht
Classification: Pathogenic. Review status: no assertion criteria provided. Collection method: clinical testing. Allele origin: germline. Affected: yes. Study: VKGL Data-share Consensus. Not counted in ClinVar's aggregate classification.

Literature cited by the submitters: PubMed 18203166 (cited by Labcorp Genetics (formerly Invitae), Labcorp); PubMed 26552811 (cited by Labcorp Genetics (formerly Invitae), Labcorp); PubMed 30802441 (cited by Labcorp Genetics (formerly Invitae), Labcorp and OMIM).

NM_207361.6(FREM2):c.2206C>T (p.Arg736Ter)

Gene: FREM2 (FRAS1 related extracellular matrix 2; plus strand). Cytogenetic location: 13q13.3.
Variant type: single nucleotide variant.
Coding change: c.2206C>T on transcript NM_207361.6 (MANE Select); coding-DNA position 2206, C replaced by T.
Protein change: p.Arg736Ter; replaces arginine 736 with a stop codon.
Molecular consequence: nonsense.
Genome position (GRCh38, 1-based): chr13:38,689,550, C>T. VCF-style: chr13-38689550-C-T. GRCh37 (hg19) VCF-style: chr13-39263687-C-T.
Other names: short protein forms R736*.
Identifiers: ClinVar variation 625182 (VCV000625182.7), dbSNP rs939534674, ClinGen allele CA387888340.